The following is an entry in ClinVar:

NM_006922.4(SCN3A):c.247T>A (p.Tyr83Asn)

Gene: SCN3A (sodium voltage-gated channel alpha subunit 3; minus strand). Cytogenetic location: 2q24.3.
Variant type: single nucleotide variant.
Coding change: c.247T>A on transcript NM_006922.4 (MANE Select); coding-DNA position 247, T replaced by A.
Protein change: p.Tyr83Asn; replaces tyrosine 83 with asparagine.
Molecular consequence: missense variant.
Genome position (GRCh38, 1-based): chr2:165,176,148, A>T on the plus strand (T>A on the coding strand, the complement: SCN3A is on the minus strand). VCF-style: chr2-165176148-A-T. GRCh37 (hg19) VCF-style: chr2-166032658-A-T.
Other names: c.247T>A, p.Tyr83Asn (NM_001081676.2, NM_001081677.2); short protein forms Y83N.
Identifiers: ClinVar variation 3643003 (VCV003643003.2).

ClinVar aggregate classification (germline): Uncertain significance (1 of 4 stars; one submission).

Submission:

Labcorp Genetics (formerly Invitae), Labcorp
Classification: Uncertain significance. Last evaluated: 2024-03-03. Review status: criteria provided, single submitter. Criteria: Invitae Variant Classification Sherloc (09022015). Collection method: clinical testing. Allele origin: germline.
Comment: This sequence change replaces tyrosine, which is neutral and polar, with asparagine, which is neutral and polar, at codon 83 of the SCN3A protein (p.Tyr83Asn). This variant is not present in population databases (gnomAD no frequency). This variant has not been reported in the literature in individuals affected with SCN3A-related conditions. Advanced modeling of protein sequence and biophysical properties (such as structural, functional, and spatial information, amino acid conservation, physicochemical variation, residue mobility, and thermodynamic stability) has been performed at Invitae for this missense variant, however the output from this modeling did not meet the statistical confidence thresholds required to predict the impact of this variant on SCN3A protein function. In summary, the available evidence is currently insufficient to determine the role of this variant in disease. Therefore, it has been classified as a Variant of Uncertain Significance.